The following is an entry in ClinVar:

ClinVar aggregate classification (germline): Benign. Review status: criteria provided, multiple submitters, no conflicts (2 of 4 stars). 3 submissions from 3 submitters: Benign (3). Last evaluated 2021-10-19.

Conditions:
Occult macular dystrophy (OCMD). Also called: OMD; OCCULT MACULAR DYSTROPHY, SUSCEPTIBILITY TO. Identifiers: Orphanet 247834, MedGen C3150833, MONDO:0013316, OMIM 613587, HP:0030636.
Retinitis pigmentosa 88. Identifiers: MedGen C5394208, MONDO:0032940, OMIM 618826.

Allele frequency attached by ClinVar (database versions not stated): ExAC 0.00541; ESP Exome Variant Server 0.01727; gnomAD 0.01871 and 0.02007; 1000 Genomes Project 30x 0.01952; 1000 Genomes Project 0.02057; TOPMed 0.02118.

Submissions (3):

Fulgent Genetics
Classification: Benign for Occult macular dystrophy; Retinitis pigmentosa 88. Last evaluated: 2021-10-19. Review status: criteria provided, single submitter. Criteria: ACMG Guidelines, 2015. Collection method: clinical testing. Allele origin: unknown.

Illumina Laboratory Services, Illumina
Classification: Benign for Occult macular dystrophy. Last evaluated: 2018-01-13. Review status: criteria provided, single submitter. Criteria: ICSL Variant Classification Criteria 13 December 2019. Collection method: clinical testing. Allele origin: germline.
Comment: This variant was observed in the ICSL laboratory as part of a predisposition screen in an ostensibly healthy population. It had not been previously curated by ICSL or reported in the Human Gene Mutation Database (HGMD: prior to June 1st, 2018), and was therefore a candidate for classification through an automated scoring system. Utilizing variant allele frequency, disease prevalence and penetrance estimates, and inheritance mode, an automated score was calculated to assess if this variant is too frequent to cause the disease. Based on the score and internal cut-off values, a variant classified as benign is not then subjected to further curation. The score for this variant resulted in a classification of benign for this disease.

Breakthrough Genomics
Classification: Benign. Review status: criteria provided, single submitter. Criteria: ACMG Guidelines, 2015. Collection method: not provided. Allele origin: germline. Inheritance: Autosomal recessive inheritance. Affected: yes.

NM_178857.6(RP1L1):c.1478G>A (p.Arg493Gln)

Gene: RP1L1 (RP1 like 1). Cytogenetic location: 8p23.1.
Variant type: single nucleotide variant.
Coding change: c.1478G>A on transcript NM_178857.6 (MANE Select); coding-DNA position 1478, G replaced by A.
Protein change: p.Arg493Gln; replaces arginine 493 with glutamine.
Molecular consequence: missense variant.
Genome position (GRCh38, 1-based): chr8:10,612,620, C>T on the plus strand (G>A on the coding strand, the complement: RP1L1 is on the minus strand). VCF-style: chr8-10612620-C-T. GRCh37 (hg19) VCF-style: chr8-10470130-C-T.
Other names: short protein forms R493Q.
Identifiers: ClinVar variation 361373 (VCV000361373.7), dbSNP rs79401306, ClinGen allele CA4625155.